The following is an entry in ClinVar:

ClinVar aggregate classification (germline): Likely benign. Review status: criteria provided, multiple submitters, no conflicts (2 of 4 stars). 2 submissions from 2 submitters: Likely benign (2). Last evaluated 2025-07-09.

Conditions:
TPO-related disorder. Also called: TPO-related condition.

Allele frequency attached by ClinVar (database versions not stated): ExAC 0.00004; gnomAD 0.00004; TOPMed 0.00006; ESP Exome Variant Server 0.00015.
gnomAD v4.1: 53 of 1,614,090 alleles (0.0033%); highest among the groups gnomAD compares: Admixed American, 0.028%; no homozygotes.

Submissions (2):

PreventionGenetics, part of Exact Sciences
Classification: Likely benign for TPO-related condition. Last evaluated: 2025-07-09. Review status: criteria provided, single submitter. Criteria: ACMG Guidelines, 2015. Collection method: clinical testing. Allele origin: germline.
Comment: This variant is classified as likely benign based on ACMG/AMP sequence variant interpretation guidelines (Richards et al. 2015 PMID: 25741868, with internal and published modifications).

Labcorp Genetics (formerly Invitae), Labcorp
Classification: Likely benign. Last evaluated: 2024-03-12. Review status: criteria provided, single submitter. Criteria: Invitae Variant Classification Sherloc (09022015). Collection method: clinical testing. Allele origin: germline.

NM_001206744.2(TPO):c.2475C>T (p.Cys825=)

Genes: LALTOP (lung cancer associated lncRNA targeting TOP2A; minus strand), TPO (thyroid peroxidase; plus strand). Cytogenetic location: 2p25.3.
Variant type: single nucleotide variant.
Coding change: c.2475C>T on transcript NM_001206744.2 (MANE Select); coding-DNA position 2475, C replaced by T.
Protein change: p.Cys825=; no amino-acid change (cysteine 825 retained).
Molecular consequence: synonymous variant. On other transcripts: intron variant (1).
Genome position (GRCh38, 1-based): chr2:1,504,036, C>T. VCF-style: chr2-1504036-C-T. GRCh37 (hg19) VCF-style: chr2-1507808-C-T.
Other names: c.2475C>T (NM_000547.5); c.2475C>T, p.Cys825= (NM_000547.6); c.2304C>T, p.Cys768= (NM_001206745.2, NM_175719.4); c.1956C>T, p.Cys652= (NM_175722.3); c.2386+7271C>T (NM_175721.3).
Identifiers: ClinVar variation 2885327 (VCV002885327.4), dbSNP rs375133048, ClinGen allele CA1512135.